The following is an entry in ClinVar:

NM_002439.5(MSH3):c.556T>C (p.Ser186Pro)

Gene: MSH3 (mutS homolog 3; plus strand). Cytogenetic location: 5q14.1.
Variant type: single nucleotide variant.
Coding change: c.556T>C on transcript NM_002439.5 (MANE Select); coding-DNA position 556, T replaced by C.
Protein change: p.Ser186Pro; replaces serine 186 with proline.
Molecular consequence: missense variant.
Genome position (GRCh38, 1-based): chr5:80,665,340, T>C. VCF-style: chr5-80665340-T-C. GRCh37 (hg19) VCF-style: chr5-79961159-T-C.
Other names: short protein forms S186P.
Identifiers: ClinVar variation 1437022 (VCV001437022.8), dbSNP rs2112808964, ClinGen allele CA360264528.

ClinVar aggregate classification (germline): Uncertain significance. Review status: criteria provided, multiple submitters, no conflicts (2 of 4 stars). 2 submissions from 2 submitters: Uncertain significance (2). Last evaluated 2025-11-03.

Conditions:
Hereditary cancer-predisposing syndrome. Also called: Neoplastic Syndromes, Hereditary; Hereditary Cancer Syndrome; Hereditary neoplastic syndrome; Tumor predisposition. Identifiers: Orphanet 140162, MedGen C0027672, MeSH D009386, MONDO:0015356.

Submissions (2):

Labcorp Genetics (formerly Invitae), Labcorp
Classification: Uncertain significance. Last evaluated: 2025-11-03. Review status: criteria provided, single submitter. Criteria: Invitae Variant Classification Sherloc (09022015). Collection method: clinical testing. Allele origin: germline.
Comment: This sequence change replaces serine, which is neutral and polar, with proline, which is neutral and non-polar, at codon 186 of the MSH3 protein (p.Ser186Pro). This variant is not present in population databases (gnomAD no frequency). This variant has not been reported in the literature in individuals affected with MSH3-related conditions. ClinVar contains an entry for this variant (Variation ID: 1437022). An algorithm developed to predict the effect of missense changes on protein structure and function (PolyPhen-2) suggests that this variant is likely to be tolerated. In summary, the available evidence is currently insufficient to determine the role of this variant in disease. Therefore, it has been classified as a Variant of Uncertain Significance.

Ambry Genetics
Classification: Uncertain significance for Hereditary cancer-predisposing syndrome. Last evaluated: 2021-03-02. Review status: criteria provided, single submitter. Criteria: Ambry Variant Classification Scheme 2023. Collection method: clinical testing. Allele origin: germline.
Comment: The p.S186P variant (also known as c.556T>C), located in coding exon 3 of the MSH3 gene, results from a T to C substitution at nucleotide position 556. The serine at codon 186 is replaced by proline, an amino acid with similar properties. This amino acid position is not well conserved in available vertebrate species. In addition, this alteration is predicted to be tolerated by in silico analysis. Since supporting evidence is limited at this time, the clinical significance of this alteration remains unclear.